The following is an entry in ClinVar:

ClinVar aggregate classification (germline): Likely pathogenic (1 of 4 stars; one submission).

Conditions:
Autosomal dominant nonsyndromic hearing loss 6 (LFSNHL). Also called: DEAFNESS, AUTOSOMAL DOMINANT 14; DEAFNESS, AUTOSOMAL DOMINANT 38; Autosomal dominant nonsyndromic deafness 6; DIDMOAD (Diabetes Insipidus, Diabetes Mellitus, Optic Atrophy, and Deafness); DEAFNESS, AUTOSOMAL DOMINANT 6. Identifiers: Orphanet 90635, MedGen C1833021, MONDO:0010963, OMIM 600965.

Submission:

Human Genetics Bochum, Ruhr University Bochum
Classification: Likely pathogenic for Autosomal dominant nonsyndromic hearing loss 6. Last evaluated: 2025-08-25. Review status: criteria provided, single submitter. Criteria: ACMG Guidelines, 2015. Collection method: clinical testing. Allele origin: germline. Affected: yes.
Comment: ACMG criteria used to clasify this variant: PS2, PM2_sup, PP3_mod, PM5

NM_006005.3(WFS1):c.977C>A (p.Ala326Glu)

Gene: WFS1 (wolframin ER transmembrane glycoprotein; plus strand). Cytogenetic location: 4p16.1.
Variant type: single nucleotide variant.
Coding change: c.977C>A on transcript NM_006005.3 (MANE Select); coding-DNA position 977, C replaced by A.
Protein change: p.Ala326Glu; replaces alanine 326 with glutamic acid.
Molecular consequence: missense variant.
Genome position (GRCh38, 1-based): chr4:6,300,772, C>A. VCF-style: chr4-6300772-C-A. GRCh37 (hg19) VCF-style: chr4-6302499-C-A.
Other names: c.977C>A, p.Ala326Glu (NM_001145853.1); short protein forms A326E.
Identifiers: ClinVar variation 4687962 (VCV004687962.1).